The following is an entry in ClinVar:

ClinVar aggregate classification (germline): Likely benign (1 of 4 stars; one submission).

Allele frequency attached by ClinVar (database versions not stated): ExAC 0.00007; ESP Exome Variant Server 0.00008; gnomAD exomes 0.00008; TOPMed 0.00014; gnomAD 0.00022.

Submission:

CeGaT Center for Human Genetics Tuebingen
Classification: Likely benign. Last evaluated: 2023-04-01. Review status: criteria provided, single submitter. Criteria: CeGaT Center For Human Genetics Tuebingen Variant Classification Criteria Version 2. Collection method: clinical testing. Allele origin: germline. Affected: yes. Observed: 1 variant allele.
Comment: MUC16: BP4, BP7

NM_001401501.2(MUC16):c.23646C>A (p.Thr7882=)

Gene: MUC16 (mucin 16, cell surface associated; minus strand). Cytogenetic location: 19p13.2.
Variant type: single nucleotide variant.
Coding change: c.23646C>A on transcript NM_001401501.2 (MANE Select); coding-DNA position 23646, C replaced by A.
Protein change: p.Thr7882=; no amino-acid change (threonine 7882 retained).
Molecular consequence: synonymous variant.
Genome position (GRCh38, 1-based): chr19:8,953,244, G>T on the plus strand (C>A on the coding strand, the complement: MUC16 is on the minus strand). VCF-style: chr19-8953244-G-T. GRCh37 (hg19) VCF-style: chr19-9063920-G-T.
Other names: c.24072C>A, p.Thr8024= (NM_001414686.1); c.23526C>A, p.Thr7842= (NM_001414687.1, NM_024690.2).
Identifiers: ClinVar variation 2649245 (VCV002649245.24), dbSNP rs375469421, ClinGen allele CA9168597.